The following is an entry in ClinVar:

ClinVar aggregate classification (germline): Likely benign. Review status: criteria provided, single submitter (1 of 4 stars). 2 submissions from 2 submitters: Likely benign (1). 1 of the submissions does not count toward it. Last evaluated 2025-10-06.

Conditions:
RNASEH1-related disorder. Also called: RNASEH1-related condition.

Allele frequency attached by ClinVar (database versions not stated): ExAC 0.00004; ESP Exome Variant Server 0.00008; gnomAD 0.00008; TOPMed 0.00010; gnomAD exomes 0.00017.
gnomAD v4.1: 260 of 1,604,418 alleles (0.016%); highest among the groups gnomAD compares: Non-Finnish European, 0.021%; no homozygotes.

Submissions (2):

Labcorp Genetics (formerly Invitae), Labcorp
Classification: Likely benign. Last evaluated: 2025-10-06. Review status: criteria provided, single submitter. Criteria: Invitae Variant Classification Sherloc (09022015). Collection method: clinical testing. Allele origin: germline.

PreventionGenetics, part of Exact Sciences
Classification: Likely benign for RNASEH1-related condition. Last evaluated: 2024-07-12. Review status: no assertion criteria provided. Collection method: clinical testing. Allele origin: germline. Not counted in ClinVar's aggregate classification.
Comment: This variant is classified as likely benign based on ACMG/AMP sequence variant interpretation guidelines (Richards et al. 2015 PMID: 25741868, with internal and published modifications).

NM_002936.6(RNASEH1):c.409+7C>T

Gene: RNASEH1 (ribonuclease H1; minus strand). Cytogenetic location: 2p25.3.
Variant type: single nucleotide variant.
Coding change: c.409+7C>T on transcript NM_002936.6 (MANE Select); 7 bases into the intron after coding-DNA position 409, C replaced by T.
Molecular consequence: intron variant.
Genome position (GRCh38, 1-based): chr2:3,552,137, G>A on the plus strand (C>T on the coding strand, the complement: RNASEH1 is on the minus strand). VCF-style: chr2-3552137-G-A. GRCh37 (hg19) VCF-style: chr2-3599727-G-A.
Other names: c.409+7C>T (NM_001378272.1, NM_001378273.1, NM_001378271.1 and 1 more transcripts); c.331+7C>T (NM_001286834.3); c.58+7C>T (NM_001286837.3).
Identifiers: ClinVar variation 2178737 (VCV002178737.5), dbSNP rs373300604, ClinGen allele CA1516288.